The following is an entry in ClinVar:

NM_000388.4(CASR):c.173T>A (p.Val58Glu)

Gene: CASR (calcium sensing receptor; plus strand). Cytogenetic location: 3q21.1.
Variant type: single nucleotide variant.
Coding change: c.173T>A on transcript NM_000388.4 (MANE Select); coding-DNA position 173, T replaced by A.
Protein change: p.Val58Glu; replaces valine 58 with glutamic acid.
Molecular consequence: missense variant.
Genome position (GRCh38, 1-based): chr3:122,254,362, T>A. VCF-style: chr3-122254362-T-A. GRCh37 (hg19) VCF-style: chr3-121973209-T-A.
Other names: c.173T>A, p.Val58Glu (NM_001178065.2); short protein forms V58E.
Identifiers: ClinVar variation 1321412 (VCV001321412.1), dbSNP rs2107625078, ClinGen allele CA354362290.

ClinVar aggregate classification (germline): Uncertain significance (1 of 4 stars; one submission).

Submission:

Women's Health and Genetics/Laboratory Corporation of America, LabCorp
Classification: Uncertain significance. Last evaluated: 2021-10-23. Review status: criteria provided, single submitter. Criteria: LabCorp Variant Classification Summary - May 2015. Collection method: clinical testing. Allele origin: germline.
Comment: Variant summary: CASR c.173T>A (p.Val58Glu) results in a non-conservative amino acid change in the encoded protein sequence. Three of five in-silico tools predict a damaging effect of the variant on protein function. The variant was absent in 250920 control chromosomes. The available data on variant occurrences in the general population are insufficient to allow any conclusion about variant significance. To our knowledge, no occurrence of c.173T>A in individuals affected with Familial Hypocalciuric Hypercalcemia/Autosomal Dominant Hypocalcemia and no experimental evidence demonstrating its impact on protein function have been reported. No clinical diagnostic laboratories have submitted clinical-significance assessments for this variant to ClinVar after 2014. Based on the evidence outlined above, the variant was classified as uncertain significance.